The following is an entry in ClinVar:

ClinVar aggregate classification (germline): Pathogenic/Likely pathogenic. Review status: criteria provided, multiple submitters, no conflicts (2 of 4 stars). 2 submissions from 2 submitters: Pathogenic (1); Likely pathogenic (1). Last evaluated 2026-06-01.

Submissions (2):

CeGaT Center for Human Genetics Tuebingen
Classification: Pathogenic. Last evaluated: 2026-06-01. Review status: criteria provided, single submitter. Criteria: CeGaT Center For Human Genetics Tuebingen Variant Classification Criteria Version 2. Collection method: clinical testing. Allele origin: germline. Affected: yes. Observed: 1 variant allele.
Comment: TTC19: PVS1, PM2, PM3:Supporting

Labcorp Genetics (formerly Invitae), Labcorp
Classification: Likely pathogenic. Last evaluated: 2024-10-22. Review status: criteria provided, single submitter. Criteria: Invitae Variant Classification Sherloc (09022015). Collection method: clinical testing. Allele origin: germline.
Comment: This sequence change affects a donor splice site in intron 6 of the TTC19 gene. It is expected to disrupt RNA splicing. Variants that disrupt the donor or acceptor splice site typically lead to a loss of protein function (PMID: 16199547), and loss-of-function variants in TTC19 are known to be pathogenic (PMID: 21278747, 24368687). This variant is not present in population databases (gnomAD no frequency). This variant has not been reported in the literature in individuals affected with TTC19-related conditions. Algorithms developed to predict the effect of sequence changes on RNA splicing suggest that this variant may disrupt the consensus splice site. In summary, the currently available evidence indicates that the variant is pathogenic, but additional data are needed to prove that conclusively. Therefore, this variant has been classified as Likely Pathogenic.

Literature cited by the submitters: PubMed 16199547 (cited by Labcorp Genetics (formerly Invitae), Labcorp); PubMed 21278747 (cited by Labcorp Genetics (formerly Invitae), Labcorp); PubMed 24368687 (cited by Labcorp Genetics (formerly Invitae), Labcorp).

NM_017775.4(TTC19):c.581+1G>C

Gene: TTC19 (tetratricopeptide repeat domain 19; plus strand). Cytogenetic location: 17p12.
Variant type: single nucleotide variant.
Coding change: c.581+1G>C on transcript NM_017775.4 (MANE Select); the canonical splice donor site of the intron after coding-DNA position 581, G replaced by C.
Molecular consequence: splice donor variant.
Genome position (GRCh38, 1-based): chr17:16,004,263, G>C. VCF-style: chr17-16004263-G-C. GRCh37 (hg19) VCF-style: chr17-15907577-G-C.
Other names: c.260+1G>C (NM_001271420.2).
Identifiers: ClinVar variation 3632370 (VCV003632370.4).